The following is an entry in ClinVar:

NM_024408.4(NOTCH2):c.7402C>A (p.Gln2468Lys)

Gene: NOTCH2 (notch receptor 2; minus strand). Cytogenetic location: 1p12.
Variant type: single nucleotide variant.
Coding change: c.7402C>A on transcript NM_024408.4 (MANE Select); coding-DNA position 7402, C replaced by A.
Protein change: p.Gln2468Lys; replaces glutamine 2468 with lysine.
Molecular consequence: missense variant.
Genome position (GRCh38, 1-based): chr1:119,915,320, G>T on the plus strand (C>A on the coding strand, the complement: NOTCH2 is on the minus strand). VCF-style: chr1-119915320-G-T. GRCh37 (hg19) VCF-style: chr1-120457943-G-T.
Other names: c.7402C>A (NM_024408.3); short protein forms Q2468K.
Identifiers: ClinVar variation 1964735 (VCV001964735.7), dbSNP rs2101140994, ClinGen allele CA341871171.

ClinVar aggregate classification (germline): Uncertain significance. Review status: criteria provided, multiple submitters, no conflicts (2 of 4 stars). 3 submissions from 3 submitters: Uncertain significance (3). Last evaluated 2026-06-16.

Conditions:
Inborn genetic diseases. Identifiers: MedGen C0950123, MeSH D030342.
Hajdu-Cheney syndrome (HJCYS). Also called: Acroosteolysis dominant type; SERPENTINE FIBULA-POLYCYSTIC KIDNEY SYNDROME; ACROOSTEOLYSIS WITH OSTEOPOROSIS AND CHANGES IN SKULL AND MANDIBLE. Identifiers: Orphanet 955, MedGen C0917715, MONDO:0007057, OMIM 102500.
NOTCH2-related disorder. Also called: NOTCH2-related condition.

gnomAD v4.1: 1 of 1,613,546 alleles (0.000062%); highest among the groups gnomAD compares: African/African-American, 0.0013%; no homozygotes.

Submissions (3):

PreventionGenetics, part of Exact Sciences
Classification: Uncertain significance for NOTCH2-related condition. Last evaluated: 2026-06-16. Review status: criteria provided, single submitter. Criteria: ACMG Guidelines, 2015. Collection method: clinical testing. Allele origin: germline.
Comment: The NOTCH2 c.7402C>A variant is predicted to result in the amino acid substitution p.Gln2468Lys. To our knowledge, this variant has not been reported in the literature or in a large population database (gnomAD), indicating this variant is rare. At this time, the clinical significance of this variant is uncertain due to the absence of conclusive functional and genetic evidence.

Labcorp Genetics (formerly Invitae), Labcorp
Classification: Uncertain significance for Hajdu-Cheney syndrome. Last evaluated: 2025-07-30. Review status: criteria provided, single submitter. Criteria: Invitae Variant Classification Sherloc (09022015). Collection method: clinical testing. Allele origin: germline.
Comment: This sequence change replaces glutamine, which is neutral and polar, with lysine, which is basic and polar, at codon 2468 of the NOTCH2 protein (p.Gln2468Lys). This variant is not present in population databases (gnomAD no frequency). This variant has not been reported in the literature in individuals affected with NOTCH2-related conditions. ClinVar contains an entry for this variant (Variation ID: 1964735). An algorithm developed to predict the effect of missense changes on protein structure and function (PolyPhen-2) suggests that this variant is likely to be disruptive. In summary, the available evidence is currently insufficient to determine the role of this variant in disease. Therefore, it has been classified as a Variant of Uncertain Significance.

Ambry Genetics
Classification: Uncertain significance for Inborn genetic diseases. Last evaluated: 2023-09-22. Review status: criteria provided, single submitter. Criteria: Ambry Variant Classification Scheme 2023. Collection method: clinical testing. Allele origin: germline.